The following is an entry in ClinVar:

NM_001291303.3(FAT4):c.14186A>T (p.Asp4729Val)

Gene: FAT4 (FAT atypical cadherin 4; plus strand). Cytogenetic location: 4q28.1.
Variant type: single nucleotide variant.
Coding change: c.14186A>T on transcript NM_001291303.3 (MANE Select); coding-DNA position 14186, A replaced by T.
Protein change: p.Asp4729Val; replaces aspartic acid 4729 with valine.
Molecular consequence: missense variant.
Genome position (GRCh38, 1-based): chr4:125,491,002, A>T. VCF-style: chr4-125491002-A-T. GRCh37 (hg19) VCF-style: chr4-126412157-A-T.
Other names: c.14183A>T, p.Asp4728Val (NM_001291285.3); c.14180A>T, p.Asp4727Val (NM_024582.6); short protein forms D4727V, D4728V, D4729V.
Identifiers: ClinVar variation 1381327 (VCV001381327.8), dbSNP rs372142864, ClinGen allele CA3074521.
Genomic context (GRCh38, chr4:125,491,002, plus strand): 5'-CCAAATCTTCTACGTTCTATAGAAACAGCCCAGCAAGGGAATTGCATCTTCCTATAAGGG[A>T]TGGTAATACTTTGGAAATGCATGGTGACACCTGCCAACCTGGCATTTTCAACTATGCCAC-3'
Protein context (NP_001278232.1, residues 4719-4739): PARELHLPIR[Asp4729Val]GNTLEMHGDT

ClinVar aggregate classification (germline): Uncertain significance (1 of 4 stars; one submission).

Allele frequency attached by ClinVar (database versions not stated): gnomAD exomes below 0.00001; ExAC 0.00001; gnomAD 0.00001; TOPMed 0.00003; ESP Exome Variant Server 0.00008.
gnomAD v4.1: 4 of 1,614,076 alleles (0.00025%); highest among the groups gnomAD compares: African/African-American, 0.0053%; no homozygotes.

Submission:

Labcorp Genetics (formerly Invitae), Labcorp
Classification: Uncertain significance. Last evaluated: 2022-07-25. Review status: criteria provided, single submitter. Criteria: Invitae Variant Classification Sherloc (09022015). Collection method: clinical testing. Allele origin: germline.
Comment: This variant has not been reported in the literature in individuals affected with FAT4-related conditions. In summary, the available evidence is currently insufficient to determine the role of this variant in disease. Therefore, it has been classified as a Variant of Uncertain Significance. Algorithms developed to predict the effect of sequence changes on RNA splicing suggest that this variant may create or strengthen a splice site. Advanced modeling of protein sequence and biophysical properties (such as structural, functional, and spatial information, amino acid conservation, physicochemical variation, residue mobility, and thermodynamic stability) performed at Invitae indicates that this missense variant is not expected to disrupt FAT4 protein function. ClinVar contains an entry for this variant (Variation ID: 1381327). This variant is present in population databases (rs372142864, gnomAD 0.007%). This sequence change replaces aspartic acid, which is acidic and polar, with valine, which is neutral and non-polar, at codon 4727 of the FAT4 protein (p.Asp4727Val).